The following is an entry in ClinVar:

ClinVar aggregate classification (germline): Benign (1 of 4 stars; one submission).

Conditions:
Multiple endocrine neoplasia type 4. Also called: MULTIPLE ENDOCRINE NEOPLASIA, TYPE IV. Identifiers: Orphanet 276152, MedGen C1970712, MONDO:0012552, OMIM 610755.

Allele frequency attached by ClinVar (database versions not stated): 1000 Genomes Project 0.00160; 1000 Genomes Project 30x 0.00219; gnomAD 0.00278 and 0.00298; TOPMed 0.00329.

Submission:

Illumina Laboratory Services, Illumina
Classification: Benign for Multiple endocrine neoplasia type 4. Last evaluated: 2018-01-12. Review status: criteria provided, single submitter. Criteria: ICSL Variant Classification Criteria 13 December 2019. Collection method: clinical testing. Allele origin: germline.
Comment: This variant was observed in the ICSL laboratory as part of a predisposition screen in an ostensibly healthy population. It had not been previously curated by ICSL or reported in the Human Gene Mutation Database (HGMD: prior to June 1st, 2018), and was therefore a candidate for classification through an automated scoring system. Utilizing variant allele frequency, disease prevalence and penetrance estimates, and inheritance mode, an automated score was calculated to assess if this variant is too frequent to cause the disease. Based on the score and internal cut-off values, a variant classified as benign is not then subjected to further curation. The score for this variant resulted in a classification of benign for this disease.

NM_004064.5(CDKN1B):c.*833T>A

Gene: CDKN1B (cyclin dependent kinase inhibitor 1B; plus strand). Cytogenetic location: 12p13.1.
Variant type: single nucleotide variant.
Coding change: c.*833T>A on transcript NM_004064.5 (MANE Select); 833 bases downstream of the stop codon, T replaced by A.
Molecular consequence: 3 prime UTR variant.
Genome position (GRCh38, 1-based): chr12:12,721,860, T>A. VCF-style: chr12-12721860-T-A. GRCh37 (hg19) VCF-style: chr12-12874794-T-A.
Identifiers: ClinVar variation 307685 (VCV000307685.5), dbSNP rs141549130, ClinGen allele CA10641353.